The following is an entry in ClinVar:

ClinVar aggregate classification (germline): Conflicting classifications of pathogenicity. Review status: criteria provided, conflicting classifications (1 of 4 stars). 4 submissions from 4 submitters: Uncertain significance (2); Benign (1). 1 of the submissions does not count toward it. Last evaluated 2026-01-25.

Conditions:
Nemaline myopathy 2 (NEM2). Also called: Nemaline myopathy 2, autosomal recessive. Identifiers: MedGen C1850569, MONDO:0009725, OMIM 256030.

Allele frequency attached by ClinVar (database versions not stated): gnomAD exomes 0.00002 and 0.00005; gnomAD 0.00003 and 0.00004; TOPMed 0.00003; ExAC 0.00007.
gnomAD v4.1: 36 of 1,599,920 alleles (0.0023%); highest among the groups gnomAD compares: Non-Finnish European, 0.00034%; no homozygotes.

Submissions (4):

Labcorp Genetics (formerly Invitae), Labcorp
Classification: Benign for Nemaline myopathy 2. Last evaluated: 2026-01-25. Review status: criteria provided, single submitter. Criteria: Invitae Variant Classification Sherloc (09022015). Collection method: clinical testing. Allele origin: germline.

GeneDx
Classification: Uncertain significance. Last evaluated: 2024-09-30. Review status: criteria provided, single submitter. Criteria: GeneDx Variant Classification Process June 2021. Collection method: clinical testing. Allele origin: germline. Affected: yes.
Comment: In silico analysis supports that this missense variant has a deleterious effect on protein structure/function; Has not been previously published as pathogenic or benign to our knowledge

Revvity Omics, Revvity
Classification: Uncertain significance. Last evaluated: 2022-08-11. Review status: criteria provided, single submitter. Criteria: ACMG Guidelines, 2015. Collection method: clinical testing. Allele origin: germline.

Natera, Inc.
Classification: Uncertain significance for Nemaline myopathy type 2. Last evaluated: 2020-09-16. Review status: no assertion criteria provided. Collection method: clinical testing. Allele origin: germline. Not counted in ClinVar's aggregate classification.

NM_001164508.2(NEB):c.21863A>G (p.Glu7288Gly)

Genes: NEB (nebulin; minus strand), RIF1 (replication timing regulatory factor 1; plus strand). Cytogenetic location: 2q23.3.
Variant type: single nucleotide variant.
Coding change: c.21863A>G on transcript NM_001164508.2 (MANE Select); coding-DNA position 21863, A replaced by G.
Protein change: p.Glu7288Gly; replaces glutamic acid 7288 with glycine.
Molecular consequence: missense variant.
Genome position (GRCh38, 1-based): chr2:151,527,000, T>C on the plus strand (A>G on the coding strand, the complement: NEB is on the minus strand). VCF-style: chr2-151527000-T-C. GRCh37 (hg19) VCF-style: chr2-152383514-T-C.
Other names: c.21863A>G, p.Glu7288Gly (NM_001164507.2); c.21968A>G, p.Glu7323Gly (NM_001271208.2); c.16760A>G, p.Glu5587Gly (NM_004543.5); short protein forms E5587G, E7323G, E7288G.
Identifiers: ClinVar variation 654656 (VCV000654656.11), dbSNP rs747282707, ClinGen allele CA1906845.